The following is an entry in ClinVar:

ClinVar aggregate classification (germline): Pathogenic (1 of 4 stars; one submission).

Conditions:
Fanconi anemia (FA). Also called: Fanconi's anemia. Identifiers: Orphanet 84, MedGen C0015625, MeSH D005199, MONDO:0019391.

Submission:

Labcorp Genetics (formerly Invitae), Labcorp
Classification: Pathogenic for Fanconi anemia. Last evaluated: 2024-01-12. Review status: criteria provided, single submitter. Criteria: Invitae Variant Classification Sherloc (09022015). Collection method: clinical testing. Allele origin: unknown.
Comment: This variant is a gross deletion of the genomic region encompassing exon(s) 10-13 of the FANCD2 gene. This deletion is out-of-frame, and is expected to create a premature termination codon and result in an absent or disrupted protein product. Loss-of-function variants in FANCD2 are known to be pathogenic (PMID: 17436244). This variant has not been reported in the literature in individuals affected with FANCD2-related conditions. For these reasons, this variant has been classified as Pathogenic.

Literature cited by the submitters: PubMed 17436244.

NC_000003.11:g.(?_10083287)_(10085296_?)del

Gene: FANCD2 (FA complementation group D2; plus strand). Cytogenetic location: 3p25.3.
Variant type: Deletion.
Identifiers: ClinVar variation 3246814 (VCV003246814.1).